The following is an entry in ClinVar:

NM_003200.5(TCF3):c.1295C>G (p.Pro432Arg)

Gene: TCF3 (transcription factor 3; minus strand). Cytogenetic location: 19p13.3.
Variant type: single nucleotide variant.
Coding change: c.1295C>G on transcript NM_003200.5 (MANE Select); coding-DNA position 1295, C replaced by G.
Protein change: p.Pro432Arg; replaces proline 432 with arginine.
Molecular consequence: missense variant.
Genome position (GRCh38, 1-based): chr19:1,619,347, G>C on the plus strand (C>G on the coding strand, the complement: TCF3 is on the minus strand). VCF-style: chr19-1619347-G-C. GRCh37 (hg19) VCF-style: chr19-1619346-G-C.
Other names: c.1295C>G, p.Pro432Arg (NM_001136139.4, NM_001351779.2); c.1292C>G, p.Pro431Arg (NM_001351778.2); short protein forms P431R, P432R.
Identifiers: ClinVar variation 3345353 (VCV003345353.1).

ClinVar aggregate classification (germline): Uncertain significance (0 of 4 stars; one submission).

Conditions:
TCF3-related disorder. Also called: TCF3-related condition.

gnomAD v4.1: 6 of 1,583,628 alleles (0.00038%); highest among the groups gnomAD compares: Non-Finnish European, 0.00051%; no homozygotes.

Submission:

PreventionGenetics, part of Exact Sciences
Classification: Uncertain significance for TCF3-related condition. Last evaluated: 2024-04-17. Review status: no assertion criteria provided. Collection method: clinical testing. Allele origin: germline.
Comment: The TCF3 c.1295C>G variant is predicted to result in the amino acid substitution p.Pro432Arg. To our knowledge, this variant has not been reported in the literature or in a large population database, indicating this variant is rare. At this time, the clinical significance of this variant is uncertain due to the absence of conclusive functional and genetic evidence.